The following is an entry in ClinVar:

NM_015419.4(MXRA5):c.7835G>C (p.Gly2612Ala)

Gene: MXRA5 (matrix remodeling associated 5; minus strand). Cytogenetic location: Xp22.33.
Variant type: single nucleotide variant.
Coding change: c.7835G>C on transcript NM_015419.4 (MANE Select); coding-DNA position 7835, G replaced by C.
Protein change: p.Gly2612Ala; replaces glycine 2612 with alanine.
Molecular consequence: missense variant.
Genome position (GRCh38, 1-based): chrX:3,310,368, C>G on the plus strand (G>C on the coding strand, the complement: MXRA5 is on the minus strand). VCF-style: chrX-3310368-C-G. GRCh37 (hg19) VCF-style: chrX-3228409-C-G.
Other names: short protein forms G2612A.
Identifiers: ClinVar variation 2672144 (VCV002672144.1), dbSNP rs1441450146, ClinGen allele CA412281830.
Genomic context (GRCh38, chrX:3,310,368, plus strand): 5'-TTCAGGGAGACCAGCCTCTCCGTGTGGCCAGCGGCATTGCGGGCCACGCAGCGGTAGGCC[C>G]CGGCGTCCACCGAGGAGAGACCGCTAATGTGTAGCATGCCGTCAGCCTTGTGGTAGAAGC-3'
Protein context (NP_056234.2, residues 2602-2622): HISGLSSVDA[Gly2612Ala]AYRCVARNAA

ClinVar aggregate classification (germline): Uncertain significance (1 of 4 stars; one submission).

Submission:

Clinical Genomics Laboratory, Washington University in St. Louis
Classification: Uncertain significance. Last evaluated: 2023-09-22. Review status: criteria provided, single submitter. Criteria: ACMG Guidelines, 2015. Collection method: clinical testing. Allele origin: germline.
Comment: The MXRA5 c.7835G>C (p.Gly2612Ala) variant, to our knowledge, has not been reported in the medical literature and is absent from the general population (gnomAD v.2.1.1), indicating it is not a common variant. Computational predictors indicate that the variant is damaging, evidence that correlates with impact to MXRA5 function. Due to limited information, the clinical significance of this variant is uncertain.